The following is an entry in ClinVar:

NM_152296.5(ATP1A3):c.26_27delinsGG (p.Asp9Gly)

Gene: ATP1A3 (ATPase Na+/K+ transporting subunit alpha 3; minus strand). Cytogenetic location: 19q13.2.
Variant type: Indel.
Coding change: c.26_27delinsGG on transcript NM_152296.5 (MANE Select); coding-DNA positions 26 to 27, AC replaced by GG.
Protein change: p.Asp9Gly; replaces aspartic acid 9 with glycine.
Molecular consequence: missense variant.
Genome position (GRCh38, 1-based): chr19:41,988,542-41,988,543, GT replaced by CC on the plus strand (AC replaced by GG on the coding strand, the reverse complement: ATP1A3 is on the minus strand). VCF-style: chr19-41988542-GT-CC. GRCh37 (hg19) VCF-style: chr19-42492694-GT-CC.
Other names: c.59_60delinsGG, p.Asp20Gly (NM_001256213.2); c.65_66delinsGG, p.Asp22Gly (NM_001256214.2); short protein forms D22G, D9G, D20G.
Identifiers: ClinVar variation 3680753 (VCV003680753.2).

ClinVar aggregate classification (germline): Uncertain significance (1 of 4 stars; one submission).

Conditions:
Dystonia 12 (DYT12). Also called: DYT-ATP1A3; Rapid-Onset Dystonia-Parkinsonism (RDP). Identifiers: Orphanet 71517, MedGen C1868681, MONDO:0007496, OMIM 128235.

Submission:

Labcorp Genetics (formerly Invitae), Labcorp
Classification: Uncertain significance for Dystonia 12. Last evaluated: 2025-01-17. Review status: criteria provided, single submitter. Criteria: Invitae Variant Classification Sherloc (09022015). Collection method: clinical testing. Allele origin: germline.
Comment: This sequence change replaces aspartic acid, which is acidic and polar, with glycine, which is neutral and non-polar, at codon 9 of the ATP1A3 protein (p.Asp9Gly). This variant is present in population databases (no rsID available, gnomAD 0.0004%). This variant has not been reported in the literature in individuals affected with ATP1A3-related conditions. Experimental studies and prediction algorithms are not available or were not evaluated, and the functional significance of this variant is currently unknown. In summary, the available evidence is currently insufficient to determine the role of this variant in disease. Therefore, it has been classified as a Variant of Uncertain Significance.